The following is an entry in ClinVar:

ClinVar aggregate classification (germline): Uncertain significance. Review status: reviewed by expert panel (3 of 4 stars). 22 submissions from 21 submitters: Uncertain significance (1). 21 of the submissions do not count toward it. Last evaluated 2017-03-03.

Conditions:
CFTR-related disorder (CFTR-RD). Also called: CFTR-related condition; CFTR-related disorders. Identifiers: MedGen C5924204, MONDO:7770004.
Cystic fibrosis (CF). Also called: MUCOVISCIDOSIS. Identifiers: Orphanet 586, MedGen C0010674, MONDO:0009061, OMIM 219700. Disease mechanism: loss of function.
Congenital bilateral aplasia of vas deferens from CFTR mutation (CBAVD). Identifiers: Orphanet 48, MedGen C0403814, MONDO:0010178, OMIM 277180. Disease mechanism: loss of function.
Bronchiectasis with or without elevated sweat chloride 1 (BESC1). Also called: Cystic Fibrosis-Like Syndrome. Identifiers: Orphanet 60033, MedGen C2749757, MONDO:0008887, OMIM 211400.
Hereditary pancreatitis (PCTT). Also called: Hereditary chronic pancreatitis; PRSS1-Related Hereditary Pancreatitis. Identifiers: Orphanet 676, MedGen C0238339, MONDO:0008185, OMIM 167800.

Allele frequency attached by ClinVar (database versions not stated): ESP Exome Variant Server 0.00015; ExAC 0.00020; gnomAD exomes 0.00023; 1000 Genomes Project 30x 0.00031; 1000 Genomes Project 0.00040; gnomAD 0.00045 and 0.00046; TOPMed 0.00124.
gnomAD v4.1: 272 of 1,614,044 alleles (0.017%); highest among the groups gnomAD compares: Admixed American, 0.16%; 1 homozygote.

Submissions 1 to 6 of 22:

CFTR2
Classification: Uncertain significance for Cystic fibrosis. Last evaluated: 2017-03-03. Review status: reviewed by expert panel. Criteria: Submitter's publication and website. Collection method: research. Allele origin: germline. Affected: yes.

Labcorp Genetics (formerly Invitae), Labcorp
Classification: Pathogenic for Cystic fibrosis. Last evaluated: 2026-01-29. Review status: criteria provided, single submitter. Criteria: Invitae Variant Classification Sherloc (09022015). Collection method: clinical testing. Allele origin: germline. Not counted in ClinVar's aggregate classification.
Comment: This sequence change replaces valine, which is neutral and non-polar, with methionine, which is neutral and non-polar, at codon 201 of the CFTR protein (p.Val201Met). This variant is present in population databases (rs138338446, gnomAD 0.07%), including at least one homozygous and/or hemizygous individual. This missense change has been observed in individual(s) with cystic fibrosis or congenital bilateral absence of the vas deferens (PMID: 15287992, 16963320, 19897426, 21520337, 21658649, 25910067, 27738188, 30232781; internal data). In at least one individual the data is consistent with being in trans (on the opposite chromosome) from a pathogenic variant. While this variant has been observed to cause CFTR-related conditions in isolation (PMID: 22148899), it is often observed on the same chromosome as c.220C>T (p.Arg74Trp) and c.3808G>A (p.Asp1270Asn) and likely constitutes a haplotype. ClinVar contains an entry for this variant (Variation ID: 54022). Invitae Evidence Modeling of protein sequence and biophysical properties (such as structural, functional, and spatial information, amino acid conservation, physicochemical variation, residue mobility, and thermodynamic stability) indicates that this missense variant is expected to disrupt CFTR protein function with a positive predictive value of 80%. Experimental studies have shown that this missense change affects CFTR function (PMID: 21708286, 27738188). For these reasons, this variant has been classified as Pathogenic.

First Genomix Gene Laboratory, Genetic Diagnostics Department
Classification: Likely pathogenic for Congenital bilateral aplasia of vas deferens from CFTR mutation; Cystic fibrosis. Last evaluated: 2026-01-02. Review status: criteria provided, single submitter. Criteria: ACMG Guidelines, 2015. Collection method: clinical testing. Allele origin: germline. Inheritance: Autosomal recessive inheritance. Affected: no. Observed: 1 variant allele. Not counted in ClinVar's aggregate classification.

Dasa
Classification: Uncertain significance. Last evaluated: 2025-10-06. Review status: criteria provided, single submitter. Criteria: DASA Assertion Criteria. Collection method: clinical testing. Allele origin: germline. Not counted in ClinVar's aggregate classification.
Comment: NM_000492.4(CFTR):c.601G>A (p.Val201Met) is a missense variant that results in the substitution of valine with methionine. Functional evidence supports an impact on the gene or gene product. Published studies describe this variant in association with related phenotype (PMID: 33260873; PMID: 30232781; PMID: 10794365; PMID: 33020115; PMID: 32819855). Also, this variant is rare in population databases. The currently available literature and clinical evidence are not sufficient to establish a definitive association between this variant and the reported condition. Therefore, this variant is classified as a variant of uncertain significance.

Women's Health and Genetics/Laboratory Corporation of America, LabCorp
Classification: Pathogenic for Cystic fibrosis. Last evaluated: 2025-05-21. Review status: criteria provided, single submitter. Criteria: LabCorp Variant Classification Summary - May 2015. Collection method: clinical testing. Allele origin: germline. Not counted in ClinVar's aggregate classification.
Comment: Variant summary: CFTR c.601G>A (p.Val201Met) results in a conservative amino acid change in the encoded protein sequence. Algorithms developed to predict the effect of missense changes on protein structure and function are either unavailable or do not agree on the potential impact of this missense change. The variant allele was found at a frequency of 0.00023 in 251432 control chromosomes in the gnomAD database, including 1 homozygote. This frequency is not significantly higher than estimated for a pathogenic variant in CFTR causing Non-Classic Cystic Fibrosis (0.00023 vs 0.013), allowing no conclusion about variant significance. c.601G>A has been observed in the presumed or confirmed compound heterozygous state as an isolated variant allele (i.e. not on a haplotype) in multiple individuals affected with primarily Non-Classic Cystic Fibrosis (CBAVD, Cystic Fibrosis Screening Positive Inconclusive Diagnosis [CFSPID], sweat test-positive newborn screening with presumptive diagnosis of CF, CF-related conditions) (example, Boudaya_2012, Steiner_2011, Mota_2018, Girardet_2015, Thimmesch_2024, Castaldo_2020, Hu_2024, CFTR-France Database, internal data). These data indicate that the variant in isolation is very likely to be associated with primarily mild-spectrum CFTR-related disease. Further, the V201M component of the common pathogenic haplotype p.[R74W;V201M;D1270N] is considered by our laboratory to be the primary variation responsible for clinical presentation, as the other 2 variants R74W and D1270N are likely to be in cis and approach or exceed (0.01253-0.01388 with 3-10 homozygotes across gnomAD v2/v4) the maximum expected pathogenic allele frequency for CFTR-related conditions (0.013), yet lack robust clinical data when alone (ClinVar). At least one publication reports experimental evidence evaluating an impact on protein function for isolated V201M in vitro. The most pronounced isolated variant effect resulted in approximately 23.43% of normal chloride channel conductance relative to wild type, as compared to R74W (37.4%) or D1270N (50.95%) in isolation or 5.97% for the p.[R74W;V201M;D1270N] haplotype (e.g., Bihler_2024). The following publications have been ascertained in the context of this evaluation (PMID: 10794365, 22148899, 36796836, 32357917, 14998948, 20021716, 38695616, 36832409, 29805046, 37431359, 30232781, 36409994, 21520337, 27738188, 20217271, 15905293, 36834620, 38388235, 39570414, 38388235, 32784480, 39402445, 24762087, 15287992). ClinVar contains an entry for this variant (Variation ID: 54022). Based on the evidence outlined above, the variant was classified as pathogenic, whether on the haplotype or in isolation.

Mendelics
Classification: Likely pathogenic for Cystic fibrosis. Last evaluated: 2025-03-20. Review status: criteria provided, single submitter. Criteria: Mendelics Assertion Criteria 2017. Collection method: clinical testing. Allele origin: unknown. Affected: yes. Not counted in ClinVar's aggregate classification.
Comment: Variant NM_000492.4(CFTR):c.601G>A (p.Val201Met) has GnomAD 4.1 frequency of 0.0001685 with 1 homozygote. Reported as likely pathogenic in PMID 29805046

NM_000492.4(CFTR):c.601G>A (p.Val201Met)

Gene: CFTR (CF transmembrane conductance regulator; plus strand). Cytogenetic location: 7q31.2.
Variant type: single nucleotide variant.
Coding change: c.601G>A on transcript NM_000492.4 (MANE Select); coding-DNA position 601, G replaced by A.
Protein change: p.Val201Met; replaces valine 201 with methionine.
Molecular consequence: missense variant.
Genome position (GRCh38, 1-based): chr7:117,535,269, G>A. VCF-style: chr7-117535269-G-A. GRCh37 (hg19) VCF-style: chr7-117175323-G-A.
Other names: short protein forms V201M.
Identifiers: ClinVar variation 54022 (VCV000054022.72), dbSNP rs138338446, ClinGen allele CA327594.
Genomic context (GRCh38, chr7:117,535,269, plus strand): 5'-TACAATGACACCTGTTTTTGCTGTGCTTTTATTTTCCAGGGACTTGCATTGGCACATTTC[G>A]TGTGGATCGCTCCTTTGCAAGTGGCACTCCTCATGGGGCTAATCTGGGAGTTGTTACAGG-3'
Protein context (NP_000483.3, residues 191-211): FDEGLALAHF[Val201Met]WIAPLQVALL